The following is an entry in ClinVar:

NM_001042492.3(NF1):c.8438C>G (p.Thr2813Ser)

Gene: NF1 (neurofibromin 1; plus strand). Cytogenetic location: 17q11.2.
Variant type: single nucleotide variant.
Coding change: c.8438C>G on transcript NM_001042492.3 (MANE Select); coding-DNA position 8438, C replaced by G.
Protein change: p.Thr2813Ser; replaces threonine 2813 with serine.
Molecular consequence: missense variant.
Genome position (GRCh38, 1-based): chr17:31,374,073, C>G. VCF-style: chr17-31374073-C-G. GRCh37 (hg19) VCF-style: chr17-29701091-C-G.
Other names: c.8375C>G, p.Thr2792Ser (NM_000267.4); short protein forms T2813S, T2792S.
Identifiers: ClinVar variation 834806 (VCV000834806.6), dbSNP rs2070696371, ClinGen allele CA399205977.
Genomic context (GRCh38, chr17:31,374,073, plus strand): 5'-GAATCGACAAGGAGAACGTTGAACTCTCCCCTACCACTGGCCACTGTAACAGTGGACGAA[C>G]TCGCCACGGATCCGCAAGCCAAGTGCAGAAGCAAAGAAGCGCTGGCAGTTTCAAACGTAA-3'
Protein context (NP_001035957.1, residues 2803-2823): PTTGHCNSGR[Thr2813Ser]RHGSASQVQK

ClinVar aggregate classification (germline): Uncertain significance (1 of 4 stars; one submission).

Conditions:
Neurofibromatosis, type 1 (NF1). Also called: Peripheral type neurofibromatosis; Neurofibromatosis, type I; VON RECKLINGHAUSEN DISEASE; NEUROFIBROMATOSIS, TYPE I, SOMATIC. Identifiers: Orphanet 636, MedGen C0027831, MONDO:0018975, OMIM 162200. Disease mechanism: loss of function.

Submission:

Labcorp Genetics (formerly Invitae), Labcorp
Classification: Uncertain significance for Neurofibromatosis, type 1. Last evaluated: 2024-04-22. Review status: criteria provided, single submitter. Criteria: Invitae Variant Classification Sherloc (09022015). Collection method: clinical testing. Allele origin: germline.
Comment: This sequence change replaces threonine, which is neutral and polar, with serine, which is neutral and polar, at codon 2792 of the NF1 protein (p.Thr2792Ser). This variant is not present in population databases (gnomAD no frequency). This variant has not been reported in the literature in individuals affected with NF1-related conditions. ClinVar contains an entry for this variant (Variation ID: 834806). Advanced modeling of protein sequence and biophysical properties (such as structural, functional, and spatial information, amino acid conservation, physicochemical variation, residue mobility, and thermodynamic stability) performed at Invitae indicates that this missense variant is not expected to disrupt NF1 protein function with a negative predictive value of 95%. In summary, the available evidence is currently insufficient to determine the role of this variant in disease. Therefore, it has been classified as a Variant of Uncertain Significance.